The following is an entry in ClinVar:

NM_000268.4(NF2):c.526C>T (p.Leu176=)

Gene: NF2 (NF2, moesin-ezrin-radixin like (MERLIN) tumor suppressor; plus strand). Cytogenetic location: 22q12.2.
Variant type: single nucleotide variant.
Coding change: c.526C>T on transcript NM_000268.4 (MANE Select); coding-DNA position 526, C replaced by T.
Protein change: p.Leu176=; no amino-acid change (leucine 176 retained).
Molecular consequence: synonymous variant. On other transcripts: 5 prime UTR variant (1), intron variant (1).
Genome position (GRCh38, 1-based): chr22:29,655,603, C>T. VCF-style: chr22-29655603-C-T. GRCh37 (hg19) VCF-style: chr22-30051592-C-T.
Other names: c.412C>T, p.Leu138= (NM_001407053.1, NM_001407056.1); c.403C>T, p.Leu135= (NM_001407054.1, NM_001407058.1, NM_001407062.1 and 1 more transcripts); c.400C>T, p.Leu134= (NM_001407055.1, NM_181828.3); c.526C>T, p.Leu176= (NM_001407057.1, NM_001407059.1, NM_001407060.1 and 4 more transcripts); c.277C>T, p.Leu93= (NM_001407063.1, NM_001407064.1, NM_181830.3 and 1 more transcripts); c.-9C>T (NM_001407065.1); c.295C>T, p.Leu99= (NM_001407067.1); c.447+13318C>T (NM_181833.3).
Identifiers: ClinVar variation 2886883 (VCV002886883.5), dbSNP rs756922719, ClinGen allele CA034000.
Genomic context (GRCh38, chr22:29,655,603, plus strand): 5'-ACCAAATTTACTTCATGTGTAGGTTTTTTATTTTGCTCTATTTTTTGGTAGGTAATAAAT[C>T]TGTATCAGATGACTCCGGAAATGTGGGAGGAGAGAATTACTGCTTGGTACGCAGAGCACC-3'
Protein context (NP_000259.1, residues 166-186): EELLPKRVIN[Leu176=]YQMTPEMWEE

ClinVar aggregate classification (germline): Likely benign. Review status: criteria provided, multiple submitters, no conflicts (2 of 4 stars). 3 submissions from 3 submitters: Likely benign (3). Last evaluated 2025-11-24.

Conditions:
Hereditary cancer-predisposing syndrome. Also called: Tumor predisposition; Hereditary neoplastic syndrome; Hereditary Cancer Syndrome; Neoplastic Syndromes, Hereditary. Identifiers: Orphanet 140162, MedGen C0027672, MeSH D009386, MONDO:0015356.
Neurofibromatosis, type 2 (SWNV). Also called: BILATERAL ACOUSTIC NEUROFIBROMATOSIS; NF2-Related Schwannomatosis; SCHWANNOMATOSIS, VESTIBULAR. Identifiers: Orphanet 637, MedGen C0027832, MONDO:0007039, OMIM 101000. Disease mechanism: loss of function.

Allele frequency attached by ClinVar (database versions not stated): gnomAD exomes below 0.00001; ExAC 0.00002.
gnomAD v4.1: 1 of 1,613,406 alleles (0.000062%); highest among the groups gnomAD compares: East Asian, 0.0022%; no homozygotes.

Submissions (3):

Labcorp Genetics (formerly Invitae), Labcorp
Classification: Likely benign for Neurofibromatosis, type 2. Last evaluated: 2025-11-24. Review status: criteria provided, single submitter. Criteria: Invitae Variant Classification Sherloc (09022015). Collection method: clinical testing. Allele origin: germline.

Ambry Genetics
Classification: Likely benign for Hereditary cancer-predisposing syndrome. Last evaluated: 2024-05-17. Review status: criteria provided, single submitter. Criteria: Ambry Variant Classification Scheme 2023. Collection method: clinical testing. Allele origin: germline.

All of Us Research Program, National Institutes of Health
Classification: Likely benign for Neurofibromatosis, type 2. Last evaluated: 2024-05-14. Review status: criteria provided, single submitter. Criteria: ACMG Guidelines, 2015. Collection method: clinical testing. Allele origin: germline. Inheritance: Autosomal dominant inheritance. Observed: 1 variant allele, 1 heterozygote.
Comment: This study involves interpretation of variants in research participants for the purpose of population health screening. Participant phenotype was not available at the time of variant classification. Additional details can be found in publication PMID: 35346344, PMCID: PMC8962531